The following is an entry in ClinVar:

NM_000059.4(BRCA2):c.6490_6492delinsGACT (p.Gln2164fs)

Gene: BRCA2 (BRCA2 DNA repair associated; plus strand). Cytogenetic location: 13q13.1.
Variant type: Indel.
Coding change: c.6490_6492delinsGACT on transcript NM_000059.4 (MANE Select); coding-DNA positions 6490 to 6492, CAG replaced by GACT.
Protein change: p.Gln2164fs; shifts the reading frame from glutamine 2164.
Molecular consequence: frameshift variant.
Genome position (GRCh38, 1-based): chr13:32,340,845-32,340,847, CAG replaced by GACT. VCF-style: chr13-32340845-CAG-GACT. GRCh37 (hg19) VCF-style: chr13-32914982-CAG-GACT.
Other names: 6718_6720delinsGACT; c.6490_6492delCAGinsGACT (NM_000059.3); short protein forms Q2164fs.
Identifiers: ClinVar variation 52114 (VCV000052114.9), dbSNP rs397507861, ClinGen allele CA024105.
Genomic context (GRCh38, chr13:32,340,845, plus strand): 5'-GAAAATAATCACTCTATTAAAGTTTCTCCATATCTCTCTCAATTTCAACAAGACAAACAA[CAG>GACT]TTGGTATTAGGAACCAAAGTGTCACTTGTTGAGAACATTCATGTTTTGGGAAAAGAACAG-3'

ClinVar aggregate classification (germline): Pathogenic. Review status: reviewed by expert panel (3 of 4 stars). 3 submissions from 3 submitters: Pathogenic (1). 2 of the submissions do not count toward it. Last evaluated 2016-10-18.

Conditions:
Breast-ovarian cancer, familial, susceptibility to, 2 (BROVCA2). Also called: BRCA2 Hereditary Breast and Ovarian Cancer. Identifiers: Orphanet 145, MedGen C2675520, MONDO:0012933, OMIM 612555. Disease mechanism: loss of function.
Familial cancer of breast. Also called: BREAST CANCER, FAMILIAL; Hereditary breast cancer; hereditary breast carcinoma. Identifiers: Orphanet 227535, MedGen C0346153, MONDO:0016419, OMIM 114480. Disease mechanism: loss of function.

Submissions (3):

Evidence-based Network for the Interpretation of Germline Mutant Alleles (ENIGMA)
Classification: Pathogenic for Breast-ovarian cancer, familial, susceptibility to, 2. Last evaluated: 2016-10-18. Review status: reviewed by expert panel. Criteria: ENIGMA BRCA1/2 Classification Criteria (2015). Collection method: curation. Allele origin: germline.
Comment: Variant allele predicted to encode a truncated non-functional protein.

Department of Clinical Genetics, Copenhagen University Hospital, Rigshospitalet
Classification: Pathogenic for Familial cancer of breast. Last evaluated: 2025-09-11. Review status: criteria provided, single submitter. Criteria: ACMG Guidelines, 2015. Collection method: clinical testing. Allele origin: germline. Not counted in ClinVar's aggregate classification.
Comment: The following ACMG criteria has been used: PM2_SUP; PVS1; PM5_Strong (PTC)

Consortium of Investigators of Modifiers of BRCA1/2 (CIMBA), c/o University of Cambridge
Classification: Pathogenic for Breast-ovarian cancer, familial, susceptibility to, 2. Last evaluated: 2015-10-02. Review status: criteria provided, single submitter. Criteria: CIMBA Mutation Classification guidelines May 2016. Collection method: clinical testing. Allele origin: germline. Not counted in ClinVar's aggregate classification.

Literature cited by the submitters: PubMed 21318380 (cited by Department of Clinical Genetics, Copenhagen University Hospital, Rigshospitalet).